The following is an entry in ClinVar:

ClinVar aggregate classification (germline): Uncertain significance (1 of 4 stars; one submission).

Conditions:
Developmental and epileptic encephalopathy, 34 (DEE34). Also called: Early infantile epileptic encephalopathy 34; SLC12A5-Related Epilepsy of Infancy with Migrating Focal Seizures. Identifiers: Orphanet 293181, MedGen C4225257, MONDO:0014718, OMIM 616645.

Allele frequency attached by ClinVar (database versions not stated): gnomAD exomes below 0.00001.
gnomAD v4.1: 2 of 1,613,972 alleles (0.00012%); highest among the groups gnomAD compares: Non-Finnish European, 0.00017%; no homozygotes.

Submission:

Labcorp Genetics (formerly Invitae), Labcorp
Classification: Uncertain significance for Developmental and epileptic encephalopathy, 34. Last evaluated: 2026-02-02. Review status: criteria provided, single submitter. Criteria: Invitae Variant Classification Sherloc (09022015). Collection method: clinical testing. Allele origin: germline.
Comment: This sequence change replaces glycine, which is neutral and non-polar, with cysteine, which is neutral and slightly polar, at codon 42 of the SLC12A5 protein (p.Gly42Cys). This variant is not present in population databases (gnomAD no frequency). This variant has not been reported in the literature in individuals affected with SLC12A5-related conditions. ClinVar contains an entry for this variant (Variation ID: 1386668). Invitae Evidence Modeling of protein sequence and biophysical properties (such as structural, functional, and spatial information, amino acid conservation, physicochemical variation, residue mobility, and thermodynamic stability) indicates that this missense variant is not expected to disrupt SLC12A5 protein function with a negative predictive value of 80%. In summary, the available evidence is currently insufficient to determine the role of this variant in disease. Therefore, it has been classified as a Variant of Uncertain Significance.

NM_020708.5(SLC12A5):c.124G>T (p.Gly42Cys)

Gene: SLC12A5 (solute carrier family 12 member 5; plus strand). Cytogenetic location: 20q13.12.
Variant type: single nucleotide variant.
Coding change: c.124G>T on transcript NM_020708.5 (MANE Select); coding-DNA position 124, G replaced by T.
Protein change: p.Gly42Cys; replaces glycine 42 with cysteine.
Molecular consequence: missense variant.
Genome position (GRCh38, 1-based): chr20:46,035,019, G>T. VCF-style: chr20-46035019-G-T. GRCh37 (hg19) VCF-style: chr20-44663658-G-T.
Other names: c.193G>T, p.Gly65Cys (NM_001134771.2); short protein forms G42C, G65C.
Identifiers: ClinVar variation 1386668 (VCV001386668.8), dbSNP rs2145481710, ClinGen allele CA409187005.